The following is an entry in ClinVar:

NM_000465.4(BARD1):c.1282G>T (p.Gly428Ter)

Gene: BARD1 (BRCA1 associated RING domain 1; minus strand). Cytogenetic location: 2q35.
Variant type: single nucleotide variant.
Coding change: c.1282G>T on transcript NM_000465.4 (MANE Select); coding-DNA position 1282, G replaced by T.
Protein change: p.Gly428Ter; replaces glycine 428 with a stop codon.
Molecular consequence: nonsense. On other transcripts: non-coding transcript variant (2), intron variant (3).
Genome position (GRCh38, 1-based): chr2:214,780,592, C>A on the plus strand (G>T on the coding strand, the complement: BARD1 is on the minus strand). VCF-style: chr2-214780592-C-A. GRCh37 (hg19) VCF-style: chr2-215645316-C-A.
Other names: c.1225G>T, p.Gly409Ter (NM_001282543.2); c.159-28037G>T (NM_001282548.2); c.215+16469G>T (NM_001282545.2); c.364+11705G>T (NM_001282549.2); short protein forms G428*, G409*.
Identifiers: ClinVar variation 482788 (VCV000482788.8), dbSNP rs1553622106, ClinGen allele CA350453383.
Genomic context (GRCh38, chr2:214,780,592, plus strand): 5'-AGATGGTATTTCAGAGTAAGCATCCTACCTTAATAGAAGCAATATGGAGCAAAGTCTCTC[C>A]TCTATGATTTCTTTTCACAGCCATATTGGGCAACAGCTTCATTGCTGAGGGACTAGACAT-3'

ClinVar aggregate classification (germline): Pathogenic. Review status: criteria provided, multiple submitters, no conflicts (2 of 4 stars). 2 submissions from 2 submitters: Pathogenic (2). Last evaluated 2020-05-14.

Conditions:
Hereditary cancer-predisposing syndrome. Also called: Neoplastic Syndromes, Hereditary; Tumor predisposition; Hereditary Cancer Syndrome; Hereditary neoplastic syndrome. Identifiers: Orphanet 140162, MedGen C0027672, MeSH D009386, MONDO:0015356.

Submissions (2):

Color Diagnostics, LLC DBA Color Health
Classification: Pathogenic for Hereditary cancer-predisposing syndrome. Last evaluated: 2020-05-14. Review status: criteria provided, single submitter. Criteria: ACMG Guidelines, 2015. Collection method: clinical testing. Allele origin: germline.
Comment: This variant changes 1 nucleotide in exon 4 of the BARD1 gene, creating a premature translation stop signal. This variant is expected to result in an absent or non-functional protein product. To our knowledge, this variant has not been reported in individuals affected with hereditary cancer in the literature. This variant has not been identified in the general population by the Genome Aggregation Database (gnomAD). Loss of BARD1 function is a known mechanism of disease. Based on the available evidence, this variant is classified as Pathogenic.

Ambry Genetics
Classification: Pathogenic for Hereditary cancer-predisposing syndrome. Last evaluated: 2016-05-09. Review status: criteria provided, single submitter. Criteria: Ambry Variant Classification Scheme 2023. Collection method: clinical testing. Allele origin: germline.
Comment: The p.G428* pathogenic mutation (also known as c.1282G>T), located in coding exon 4 of the BARD1 gene, results from a G to T substitution at nucleotide position 1282. This changes the amino acid from a glycine to a stop codon within coding exon 4. Since premature stop codons are typically deleterious in nature, this alteration is interpreted as a disease-causing mutation (ACMG Recommendations for Standards for Interpretation and Reporting of Sequence Variations. Revision 2007. Genet Med. 2008;10:294).